The following is an entry in ClinVar:

ClinVar aggregate classification (germline): Uncertain significance. Review status: criteria provided, multiple submitters, no conflicts (2 of 4 stars). 4 submissions from 4 submitters: Uncertain significance (4). Last evaluated 2025-02-19.

Conditions:
LRP2-related disorder. Also called: LRP2-related condition.
Inborn genetic diseases. Identifiers: MedGen C0950123, MeSH D030342.

Allele frequency attached by ClinVar (database versions not stated): ExAC 0.00002; gnomAD exomes 0.00002 and 0.00005; TOPMed 0.00003; gnomAD 0.00005.
gnomAD v4.1: 72 of 1,614,026 alleles (0.0045%); highest among the groups gnomAD compares: Non-Finnish European, 0.0058%; no homozygotes.

Submissions (4):

PreventionGenetics, part of Exact Sciences
Classification: Uncertain significance for LRP2-related condition. Last evaluated: 2025-02-19. Review status: criteria provided, single submitter. Criteria: ACMG Guidelines, 2015. Collection method: clinical testing. Allele origin: germline.
Comment: The LRP2 c.13273G>A variant is predicted to result in the amino acid substitution p.Val4425Ile. To our knowledge, this variant has not been reported in the literature. This variant is reported in 0.0040% of alleles in individuals of African descent in gnomAD. At this time, the clinical significance of this variant is uncertain due to the absence of conclusive functional and genetic evidence.

Blueprint Genetics
Classification: Uncertain significance. Last evaluated: 2024-09-11. Review status: criteria provided, single submitter. Criteria: ACMG Guidelines, 2015. Collection method: clinical testing. Allele origin: germline.

Labcorp Genetics (formerly Invitae), Labcorp
Classification: Uncertain significance. Last evaluated: 2022-05-17. Review status: criteria provided, single submitter. Criteria: Invitae Variant Classification Sherloc (09022015). Collection method: clinical testing. Allele origin: germline.
Comment: This sequence change replaces valine, which is neutral and non-polar, with isoleucine, which is neutral and non-polar, at codon 4425 of the LRP2 protein (p.Val4425Ile). This variant is present in population databases (rs770584706, gnomAD 0.004%). This variant has not been reported in the literature in individuals affected with LRP2-related conditions. Advanced modeling of protein sequence and biophysical properties (such as structural, functional, and spatial information, amino acid conservation, physicochemical variation, residue mobility, and thermodynamic stability) performed at Invitae indicates that this missense variant is not expected to disrupt LRP2 protein function. In summary, the available evidence is currently insufficient to determine the role of this variant in disease. Therefore, it has been classified as a Variant of Uncertain Significance.

Ambry Genetics
Classification: Uncertain significance for Inborn genetic diseases. Last evaluated: 2022-04-09. Review status: criteria provided, single submitter. Criteria: Ambry Variant Classification Scheme 2023. Collection method: clinical testing. Allele origin: germline.

NM_004525.3(LRP2):c.13273G>A (p.Val4425Ile)

Gene: LRP2 (LDL receptor related protein 2; minus strand). Cytogenetic location: 2q31.1.
Variant type: single nucleotide variant.
Coding change: c.13273G>A on transcript NM_004525.3 (MANE Select); coding-DNA position 13273, G replaced by A.
Protein change: p.Val4425Ile; replaces valine 4425 with isoleucine.
Molecular consequence: missense variant.
Genome position (GRCh38, 1-based): chr2:169,139,366, C>T on the plus strand (G>A on the coding strand, the complement: LRP2 is on the minus strand). VCF-style: chr2-169139366-C-T. GRCh37 (hg19) VCF-style: chr2-169995876-C-T.
Other names: c.13273G>A (NM_004525.2); short protein forms V4425I.
Identifiers: ClinVar variation 1480966 (VCV001480966.8), dbSNP rs770584706, ClinGen allele CA1952582.